The following is an entry in ClinVar:

ClinVar aggregate classification (germline): Uncertain significance. Review status: criteria provided, multiple submitters, no conflicts (2 of 4 stars). 2 submissions from 2 submitters: Uncertain significance (2). Last evaluated 2025-06-22.

Conditions:
Benign neonatal seizures. Also called: Benign familial neonatal seizures; Convulsions benign familial neonatal dominant form; Autosomal dominant form of benign neonatal seizures; Benign familial neonatal epilepsy; Benign neonatal familial convulsions. Identifiers: Orphanet 1949, MedGen C0220669, MONDO:0016027.

Allele frequency attached by ClinVar (database versions not stated): gnomAD exomes below 0.00001; gnomAD 0.00001; TOPMed 0.00001.
gnomAD v4.1: 2 of 1,614,076 alleles (0.00012%); highest among the groups gnomAD compares: Non-Finnish European, 0.00017%; no homozygotes.

Submissions (2):

Labcorp Genetics (formerly Invitae), Labcorp
Classification: Uncertain significance for Benign neonatal seizures. Last evaluated: 2025-06-22. Review status: criteria provided, single submitter. Criteria: Invitae Variant Classification Sherloc (09022015). Collection method: clinical testing. Allele origin: germline.
Comment: This sequence change replaces aspartic acid, which is acidic and polar, with asparagine, which is neutral and polar, at codon 812 of the KCNQ3 protein (p.Asp812Asn). This variant is present in population databases (no rsID available, gnomAD 0.0009%). This variant has not been reported in the literature in individuals affected with KCNQ3-related conditions. ClinVar contains an entry for this variant (Variation ID: 1205319). Invitae Evidence Modeling of protein sequence and biophysical properties (such as structural, functional, and spatial information, amino acid conservation, physicochemical variation, residue mobility, and thermodynamic stability) indicates that this missense variant is not expected to disrupt KCNQ3 protein function with a negative predictive value of 95%. In summary, the available evidence is currently insufficient to determine the role of this variant in disease. Therefore, it has been classified as a Variant of Uncertain Significance.

GeneDx
Classification: Uncertain significance. Last evaluated: 2020-12-16. Review status: criteria provided, single submitter. Criteria: GeneDx Variant Classification Process June 2021. Collection method: clinical testing. Allele origin: germline. Affected: yes.
Comment: Not observed at a significant frequency in large population cohorts (Lek et al., 2016); In silico analysis supports that this missense variant does not alter protein structure/function; Has not been previously published as pathogenic or benign to our knowledge

NM_004519.4(KCNQ3):c.2434G>A (p.Asp812Asn)

Gene: KCNQ3 (potassium voltage-gated channel subfamily Q member 3; minus strand). Cytogenetic location: 8q24.22.
Variant type: single nucleotide variant.
Coding change: c.2434G>A on transcript NM_004519.4 (MANE Select); coding-DNA position 2434, G replaced by A.
Protein change: p.Asp812Asn; replaces aspartic acid 812 with asparagine.
Molecular consequence: missense variant.
Genome position (GRCh38, 1-based): chr8:132,129,447, C>T on the plus strand (G>A on the coding strand, the complement: KCNQ3 is on the minus strand). VCF-style: chr8-132129447-C-T. GRCh37 (hg19) VCF-style: chr8-133141694-C-T.
Other names: c.2074G>A, p.Asp692Asn (NM_001204824.2); short protein forms D692N, D812N.
Identifiers: ClinVar variation 1205319 (VCV001205319.9), dbSNP rs1193165605, ClinGen allele CA372215904.